The following is an entry in ClinVar:

ClinVar aggregate classification (germline): Likely pathogenic (1 of 4 stars; one submission).

Conditions:
PPFIA3-related condition.

Submission:

PreventionGenetics, part of Exact Sciences
Classification: Likely pathogenic for PPFIA3-related condition. Last evaluated: 2026-06-05. Review status: criteria provided, single submitter. Criteria: ACMG Guidelines, 2015. Collection method: clinical testing. Allele origin: germline.
Comment: The PPFIA3 c.793C>T variant is predicted to result in premature protein termination (p.Gln265*). To our knowledge, this variant has not been reported in the literature or in a large population database (gnomAD), indicating this variant is rare. Nonsense variants in PPFIA3 are expected to be pathogenic. This variant is interpreted as likely pathogenic.

NM_003660.4(PPFIA3):c.793C>T (p.Gln265Ter)

Gene: PPFIA3 (PPFI scaffold protein A3; plus strand). Cytogenetic location: 19q13.33.
Variant type: single nucleotide variant.
Coding change: c.793C>T on transcript NM_003660.4 (MANE Select); coding-DNA position 793, C replaced by T.
Protein change: p.Gln265Ter; replaces glutamine 265 with a stop codon.
Molecular consequence: nonsense. On other transcripts: non-coding transcript variant (1).
Genome position (GRCh38, 1-based): chr19:49,130,513, C>T. VCF-style: chr19-49130513-C-T. GRCh37 (hg19) VCF-style: chr19-49633770-C-T.
Other names: short protein forms Q265*.
Identifiers: ClinVar variation 4998968 (VCV004998968.1).